The following is an entry in ClinVar:

NM_024408.4(NOTCH2):c.4356_4358del (p.Gly1453del)

Gene: NOTCH2 (notch receptor 2; minus strand). Cytogenetic location: 1p12.
Variant type: Deletion.
Coding change: c.4356_4358del on transcript NM_024408.4 (MANE Select); coding-DNA positions 4356 to 4358, 3 bases deleted (GGG; older notation c.4356_4358delGGG).
Protein change: p.Gly1453del; deletes glycine 1453.
Molecular consequence: inframe deletion.
Genome position (GRCh38, 1-based): chr1:119,925,458-119,925,460, CCC deleted on the plus strand (GGG on the coding strand, the reverse complement: NOTCH2 is on the minus strand); deleting any 3 consecutive bases within chr1:119,925,458-119,925,462 gives the same sequence; the c. name uses the placement nearest the transcript's 3' end. VCF-style (leftmost placement, unchanged base first): chr1-119925457-ACCC-A. GRCh37 (hg19) VCF-style: chr1-120468080-ACCC-A.
Other names: short protein forms G1453del.
Identifiers: ClinVar variation 1936341 (VCV001936341.5), dbSNP rs2526147240, ClinGen allele CA2580060934.
Genomic context (GRCh38, chr1:119,925,457, plus strand): 5'-CCAGCAGGGAAGTGGGGAGGAGCAGTTGGCCCAGGGGTTCTCCATGGTGAGAGAACAGTC[ACCC>A]CCATCCCACTGGCAGGCATGGCTGTTGCAGGCCTCATCACAGACGCCATCCCGAGCTTTG-3'

ClinVar aggregate classification (germline): Uncertain significance (1 of 4 stars; one submission).

Conditions:
Hajdu-Cheney syndrome (HJCYS). Also called: ACROOSTEOLYSIS WITH OSTEOPOROSIS AND CHANGES IN SKULL AND MANDIBLE; SERPENTINE FIBULA-POLYCYSTIC KIDNEY SYNDROME; Acroosteolysis dominant type. Identifiers: Orphanet 955, MedGen C0917715, MONDO:0007057, OMIM 102500.

Submission:

Labcorp Genetics (formerly Invitae), Labcorp
Classification: Uncertain significance for Hajdu-Cheney syndrome. Last evaluated: 2022-06-22. Review status: criteria provided, single submitter. Criteria: Invitae Variant Classification Sherloc (09022015). Collection method: clinical testing. Allele origin: germline.
Comment: In summary, the available evidence is currently insufficient to determine the role of this variant in disease. Therefore, it has been classified as a Variant of Uncertain Significance. Experimental studies and prediction algorithms are not available or were not evaluated, and the functional significance of this variant is currently unknown. This variant has not been reported in the literature in individuals affected with NOTCH2-related conditions. This variant is not present in population databases (gnomAD no frequency). This variant, c.4356_4358del, results in the deletion of 1 amino acid(s) of the NOTCH2 protein (p.Gly1453del), but otherwise preserves the integrity of the reading frame.